The following is an entry in ClinVar:

NM_001130009.3(GEN1):c.1682A>G (p.Lys561Arg)

Gene: GEN1 (GEN1 structure-specific endonuclease; plus strand). Cytogenetic location: 2p24.2.
Variant type: single nucleotide variant.
Coding change: c.1682A>G on transcript NM_001130009.3 (MANE Select); coding-DNA position 1682, A replaced by G.
Protein change: p.Lys561Arg; replaces lysine 561 with arginine.
Molecular consequence: missense variant.
Genome position (GRCh38, 1-based): chr2:17,780,894, A>G. VCF-style: chr2-17780894-A-G. GRCh37 (hg19) VCF-style: chr2-17962161-A-G.
Other names: c.1682A>G, p.Lys561Arg (NM_182625.5); short protein forms K561R.
Identifiers: ClinVar variation 4844966 (VCV004844966.1).

ClinVar aggregate classification (germline): Uncertain significance (1 of 4 stars; one submission).

gnomAD v4.1: 4 of 1,613,944 alleles (0.00025%); highest among the groups gnomAD compares: Non-Finnish European, 0.00034%; no homozygotes.

Submission:

Ambry Genetics
Classification: Uncertain significance. Last evaluated: 2026-01-20. Review status: criteria provided, single submitter. Criteria: Ambry Variant Classification Scheme 2023. Collection method: clinical testing. Allele origin: germline.
Comment: The p.K561R variant (also known as c.1682A>G), located in coding exon 13 of the GEN1 gene, results from an A to G substitution at nucleotide position 1682. The lysine at codon 561 is replaced by arginine, an amino acid with highly similar properties. This amino acid position is conserved. In addition, this alteration is predicted to be tolerated by in silico analysis. Based on the available evidence, the clinical significance of this variant remains unclear.